The following is an entry in ClinVar:

ClinVar aggregate classification (germline): Benign. Review status: criteria provided, multiple submitters, no conflicts (2 of 4 stars). 2 submissions from 2 submitters: Benign (2). Last evaluated 2018-01-13.

Conditions:
Essential fructosuria. Also called: KETOHEXOKINASE DEFICIENCY; HEPATIC FRUCTOKINASE DEFICIENCY. Identifiers: Orphanet 2056, MedGen C0268160, MONDO:0009252, OMIM 229800.

Allele frequency attached by ClinVar (database versions not stated): TOPMed 0.03575; gnomAD 0.03950 and 0.03847; 1000 Genomes Project 30x 0.02077; 1000 Genomes Project 0.02236.
gnomAD v4.1: 40,692 of 893,340 alleles (4.6%); highest among the groups gnomAD compares: Middle Eastern, 5.7%; 1,126 homozygotes.

Submissions (2):

Illumina Laboratory Services, Illumina
Classification: Benign for Essential fructosuria. Last evaluated: 2018-01-13. Review status: criteria provided, single submitter. Criteria: ICSL Variant Classification Criteria 13 December 2019. Collection method: clinical testing. Allele origin: germline.
Comment: This variant was observed in the ICSL laboratory as part of a predisposition screen in an ostensibly healthy population. It had not been previously curated by ICSL or reported in the Human Gene Mutation Database (HGMD: prior to June 1st, 2018), and was therefore a candidate for classification through an automated scoring system. Utilizing variant allele frequency, disease prevalence and penetrance estimates, and inheritance mode, an automated score was calculated to assess if this variant is too frequent to cause the disease. Based on the score and internal cut-off values, a variant classified as benign is not then subjected to further curation. The score for this variant resulted in a classification of benign for this disease.

Breakthrough Genomics
Classification: Benign. Review status: criteria provided, single submitter. Criteria: ACMG Guidelines, 2015. Collection method: not provided. Allele origin: germline. Inheritance: Autosomal recessive inheritance. Affected: yes.

NM_006488.3(KHK):c.*580T>C

Genes: CGREF1 (cell growth regulator with EF-hand domain 1; minus strand), KHK (ketohexokinase; plus strand). Cytogenetic location: 2p23.3.
Variant type: single nucleotide variant.
Coding change: c.*580T>C on transcript NM_006488.3 (MANE Select); 580 bases downstream of the stop codon, T replaced by C.
Molecular consequence: 3 prime UTR variant. On other transcripts: intron variant (2).
Genome position (GRCh38, 1-based): chr2:27,100,330, T>C. VCF-style: chr2-27100330-T-C. GRCh37 (hg19) VCF-style: chr2-27323198-T-C.
Other names: c.*580T>C (NM_000221.3); c.*20+86A>G (NM_001301324.2); c.343-490A>G (NM_001166240.2).
Identifiers: ClinVar variation 335513 (VCV000335513.8), dbSNP rs7573066, ClinGen allele CA10615114.